The following is an entry in ClinVar:

NM_000203.5(IDUA):c.1757C>T (p.Ser586Phe)

Gene: IDUA (alpha-L-iduronidase; plus strand). Cytogenetic location: 4p16.3.
Variant type: single nucleotide variant.
Coding change: c.1757C>T on transcript NM_000203.5 (MANE Select); coding-DNA position 1757, C replaced by T.
Protein change: p.Ser586Phe; replaces serine 586 with phenylalanine.
Molecular consequence: missense variant. On other transcripts: non-coding transcript variant (1).
Genome position (GRCh38, 1-based): chr4:1,004,041, C>T. VCF-style: chr4-1004041-C-T. GRCh37 (hg19) VCF-style: chr4-997829-C-T.
Other names: p.Ser586Phe; c.1757C>T (NM_000203.3); c.1361C>T, p.Ser454Phe (NM_001363576.1); short protein forms S586F, S454F.
Identifiers: ClinVar variation 571910 (VCV000571910.15), dbSNP rs187833337, ClinGen allele CA2802396.
Genomic context (GRCh38, chr4:1,004,041, plus strand): 5'-CCCAGCCTTGTTCTTGGCCTGACCTCCCCAGGTGCCTGTGGACATACGAGATCCAGTTCT[C>T]TCAGGACGGTAAGGCGTACACCCCGGTCAGCAGGAAGCCATCGACCTTCAACCTCTTTGT-3'
Protein context (NP_000194.2, residues 576-596): KCLWTYEIQF[Ser586Phe]QDGKAYTPVS

ClinVar aggregate classification (germline): Uncertain significance. Review status: criteria provided, multiple submitters, no conflicts (2 of 4 stars). 9 submissions from 9 submitters: Uncertain significance (7). 2 of the submissions do not count toward it. Last evaluated 2025-12-02.

Conditions:
Mucopolysaccharidosis type 1. Also called: IDUA deficiency; MPS I; Mucopolysaccharidosis Type I. Identifiers: Orphanet 579, MedGen C0023786, MONDO:0001586.
IDUA-related disorder. Also called: IDUA-related condition.

Allele frequency attached by ClinVar (database versions not stated): gnomAD exomes 0.00003 and 0.00007; ESP Exome Variant Server 0.00008; ExAC 0.00009; gnomAD 0.00017 and 0.00019; 1000 Genomes Project 30x 0.00062; 1000 Genomes Project 0.00080.
gnomAD v4.1: 80 of 1,612,286 alleles (0.005%); highest among the groups gnomAD compares: African/African-American, 0.059%; no homozygotes.

Submissions (9):

3billion
Classification: Uncertain significance for IDUA-related disorder. Last evaluated: 2025-12-02. Review status: criteria provided, single submitter. Criteria: ACMG Guidelines, 2015. Collection method: clinical testing. Allele origin: germline. Affected: yes.
Comment: The variant is observed at an extremely low frequency in the gnomAD v4.1.0 dataset (total allele frequency: 0.005%). Predicted Consequence/Location: Missense variant In silico tool predictions suggest damaging effect of the variant on gene or gene product [3Cnet: 0.84 (> 0.75, sensitivity 0.96 and precision 0.92)]. The variant has been reported as of uncertain significance (ClinVar ID: VCV000571910; PMID: 29143201; 3billion dataset). Therefore, this variant is classified as VUS according to the recommendation of ACMG/AMP guideline.

Revvity Omics, Revvity
Classification: Uncertain significance. Last evaluated: 2025-06-20. Review status: criteria provided, single submitter. Criteria: ACMG Guidelines, 2015. Collection method: clinical testing. Allele origin: germline.

Mayo Clinic Laboratories, Mayo Clinic
Classification: Uncertain significance. Last evaluated: 2025-02-19. Review status: criteria provided, single submitter. Criteria: ACMG Guidelines, 2015. Collection method: clinical testing. Allele origin: germline. Observed: 1 variant allele.

Blueprint Genetics
Classification: Uncertain significance. Last evaluated: 2024-02-16. Review status: criteria provided, single submitter. Criteria: ACMG Guidelines, 2015. Collection method: clinical testing. Allele origin: germline.

Women's Health and Genetics/Laboratory Corporation of America, LabCorp
Classification: Uncertain significance. Last evaluated: 2023-12-07. Review status: criteria provided, single submitter. Criteria: LabCorp Variant Classification Summary - May 2015. Collection method: clinical testing. Allele origin: germline.
Comment: Variant summary: IDUA c.1757C>T (p.Ser586Phe) results in a non-conservative amino acid change located in the Alpha-L-iduronidase, C-terminal domain (IPR049167) of the encoded protein sequence. Five of five in-silico tools predict a damaging effect of the variant on protein function. The variant allele was found at a frequency of 7.9e-05 in 254582 control chromosomes. This frequency is not significantly higher than estimated for a pathogenic variant in IDUA causing Mucopolysaccharidosis Type 1 (7.9e-05 vs 0.0027), allowing no conclusion about variant significance. c.1757C>T has been reported in the literature in individuals affected with the Pseudo Mucopolysaccharidosis Type 1 (e.g. Burlina_2017, Polo_2020). These reports do not provide unequivocal conclusions about association of the variant with Mucopolysaccharidosis Type 1. At least one publication reports experimental evidence evaluating an impact on protein function: the variant was identified as a pseudodeficiency variant with 18% specific enzyme activity when transfected into HAP1 IDUA-deficient cells, placing it within the range of previously documented pseudodeficiency variants. The following publications have been ascertained in the context of this evaluation (PMID: 29143201, 29140481, 32432561, 29947050, 33198351). Three submitters have cited clinical-significance assessments for this variant to ClinVar after 2014. All submitters classified the variant as uncertain significance. Based on the evidence outlined above, the variant was classified as uncertain significance.

Labcorp Genetics (formerly Invitae), Labcorp
Classification: Uncertain significance for Mucopolysaccharidosis type 1. Last evaluated: 2022-10-19. Review status: criteria provided, single submitter. Criteria: Invitae Variant Classification Sherloc (09022015). Collection method: clinical testing. Allele origin: germline.
Comment: This sequence change replaces serine, which is neutral and polar, with phenylalanine, which is neutral and non-polar, at codon 586 of the IDUA protein (p.Ser586Phe). This variant is present in population databases (rs187833337, gnomAD 0.06%). This missense change has been observed in individual(s) with a positive newborn screening result for IDUA-related disease (PMID: 29143201, 30442156, 32432561). ClinVar contains an entry for this variant (Variation ID: 571910). Advanced modeling of protein sequence and biophysical properties (such as structural, functional, and spatial information, amino acid conservation, physicochemical variation, residue mobility, and thermodynamic stability) has been performed at Invitae for this missense variant, however the output from this modeling did not meet the statistical confidence thresholds required to predict the impact of this variant on IDUA protein function. In summary, the available evidence is currently insufficient to determine the role of this variant in disease. Therefore, it has been classified as a Variant of Uncertain Significance.

Breakthrough Genomics
Classification: Uncertain significance. Review status: criteria provided, single submitter. Criteria: ACMG Guidelines, 2015. Collection method: not provided. Allele origin: germline. Inheritance: Autosomal recessive inheritance. Affected: yes.

Natera, Inc.
Classification: Uncertain significance for Mucopolysaccharidosis type I. Last evaluated: 2020-04-21. Review status: no assertion criteria provided. Collection method: clinical testing. Allele origin: germline. Not counted in ClinVar's aggregate classification.

GeneReviews
No classification provided. Condition: Mucopolysaccharidosis type 1. Review status: no classification provided. Collection method: literature only. Allele origin: germline. Not counted in ClinVar's aggregate classification.
Comment: Pseudodeficiency variants

Literature cited by the submitters: PubMed 29143201 (cited by 3 submitters); PubMed 29947050 (cited by Mayo Clinic Laboratories, Mayo Clinic and Women's Health and Genetics/Laboratory Corporation of America, LabCorp); PubMed 30093709 (cited by Mayo Clinic Laboratories, Mayo Clinic); PubMed 30442156 (cited by Mayo Clinic Laboratories, Mayo Clinic and Labcorp Genetics (formerly Invitae), Labcorp); PubMed 32432561 (cited by 3 submitters); PubMed 33147872 (cited by Mayo Clinic Laboratories, Mayo Clinic); PubMed 33198351 (cited by Mayo Clinic Laboratories, Mayo Clinic and Women's Health and Genetics/Laboratory Corporation of America, LabCorp); PubMed 37516270 (cited by Mayo Clinic Laboratories, Mayo Clinic); PubMed 29140481 (cited by Women's Health and Genetics/Laboratory Corporation of America, LabCorp); NCBI Bookshelf NBK1162 (cited by GeneReviews).